The following is an entry in ClinVar:

ClinVar aggregate classification (germline): Uncertain significance. Review status: criteria provided, multiple submitters, no conflicts (2 of 4 stars). 4 submissions from 4 submitters: Uncertain significance (4). Last evaluated 2025-10-05.

Conditions:
Ataxia-telangiectasia-like disorder (ATLD). Identifiers: MedGen C1858391, MONDO:0011457.
Hereditary cancer-predisposing syndrome. Also called: Hereditary neoplastic syndrome; Neoplastic Syndromes, Hereditary; Hereditary Cancer Syndrome; Tumor predisposition. Identifiers: Orphanet 140162, MedGen C0027672, MeSH D009386, MONDO:0015356.
Ataxia-telangiectasia-like disorder 1 (ATLD1). Identifiers: Orphanet 251347, MedGen C4012790, MONDO:0024557, OMIM 604391.

Allele frequency attached by ClinVar (database versions not stated): ExAC 0.00001; gnomAD 0.00001; gnomAD exomes 0.00001.
gnomAD v4.1: 16 of 1,613,688 alleles (0.00099%); highest among the groups gnomAD compares: Non-Finnish European, 0.0012%; no homozygotes.

Submissions (4):

Ambry Genetics
Classification: Uncertain significance for Hereditary cancer-predisposing syndrome. Last evaluated: 2025-10-05. Review status: criteria provided, single submitter. Criteria: Ambry Variant Classification Scheme 2023. Collection method: clinical testing. Allele origin: germline.
Comment: The p.R155H variant (also known as c.464G>A), located in coding exon 5 of the MRE11A gene, results from a G to A substitution at nucleotide position 464. The arginine at codon 155 is replaced by histidine, an amino acid with highly similar properties. This amino acid position is well conserved in available vertebrate species. In addition, this alteration is predicted to be tolerated by in silico analysis. Since supporting evidence is limited at this time, the clinical significance of this alteration remains unclear.

Labcorp Genetics (formerly Invitae), Labcorp
Classification: Uncertain significance for Ataxia-telangiectasia-like disorder. Last evaluated: 2025-07-02. Review status: criteria provided, single submitter. Criteria: Invitae Variant Classification Sherloc (09022015). Collection method: clinical testing. Allele origin: germline.
Comment: This sequence change replaces arginine, which is basic and polar, with histidine, which is basic and polar, at codon 155 of the MRE11 protein (p.Arg155His). This variant is present in population databases (rs587780141, gnomAD 0.01%). This variant has not been reported in the literature in individuals affected with MRE11-related conditions. ClinVar contains an entry for this variant (Variation ID: 127982). An algorithm developed to predict the effect of missense changes on protein structure and function (PolyPhen-2) suggests that this variant is likely to be tolerated. In summary, the available evidence is currently insufficient to determine the role of this variant in disease. Therefore, it has been classified as a Variant of Uncertain Significance.

Fulgent Genetics
Classification: Uncertain significance for Ataxia-telangiectasia-like disorder 1. Last evaluated: 2024-04-23. Review status: criteria provided, single submitter. Criteria: ACMG Guidelines, 2015. Collection method: clinical testing. Allele origin: germline.

GeneDx
Classification: Uncertain significance. Last evaluated: 2014-01-23. Review status: criteria provided, single submitter. Criteria: GeneDx Variant Classification (06012015). Collection method: clinical testing. Allele origin: germline. Affected: yes.
Comment: MRE11A has been only recently described in association with cancer predisposition and the risks are not well understood. This variant is denoted MRE11A c.464G>A at the cDNA level, p.Arg155His (R155H) at the protein level, and results in the change of an Arginine to a Histidine (CGT>CAT). This variant has not, to our knowledge, been published in the literature as pathogenic or benign. MRE11A Arg155His was not observed in approximately 6,500 individuals of European and African American ancestry in the NHLBI Exome Sequencing Project, indicating it is not a common benign variant in these populations. This variant is a conservative substitution of one positive polar amino acid for another, altering a position that is well conserved throughout evolution and is located in the nuclease domain (Stracker 2011). In silico analyses are inconsistent with regard to the effect this variant may have on protein structure and function. On a molecular level, the impact of this missense variant on protein structure and function is not known and thus we consider this to be a variant of uncertain significance. Furthermore, based on the currently available information, cancer risks associated with this variant, and the MRE11A gene, remain unclear.

NM_005591.4(MRE11):c.464G>A (p.Arg155His)

Gene: MRE11 (MRE11 double strand break repair nuclease; minus strand). Cytogenetic location: 11q21.
Variant type: single nucleotide variant.
Coding change: c.464G>A on transcript NM_005591.4 (MANE Select); coding-DNA position 464, G replaced by A.
Protein change: p.Arg155His; replaces arginine 155 with histidine.
Molecular consequence: missense variant.
Genome position (GRCh38, 1-based): chr11:94,478,815, C>T on the plus strand (G>A on the coding strand, the complement: MRE11 is on the minus strand). VCF-style: chr11-94478815-C-T. GRCh37 (hg19) VCF-style: chr11-94211981-C-T.
Other names: p.R155H:CGT>CAT; c.464G>A, p.Arg155His (NM_001330347.2, NM_005590.4); short protein forms R155H.
Identifiers: ClinVar variation 127982 (VCV000127982.17), dbSNP rs587780141, ClinGen allele CA331843.
Genomic context (GRCh38, chr11:94,478,815, plus strand): 5'-TTTGTGCTTCCTTTTTGAAGCAAAACCGGACTAATGTCTATCTTCTCCACAGACATTGAA[C>T]GTCCAAAGTGATTTACAAATCCAGCACAACTTAAAATGTCCAAGGCACAAAGTGCATCTG-3'
Protein context (NP_005582.1, residues 145-165): SCAGFVNHFG[Arg155His]SMSVEKIDIS